The following is an entry in ClinVar:

NM_001195263.2(PDZD7):c.2381G>A (p.Arg794Lys)

Gene: PDZD7 (PDZ domain containing 7; minus strand). Cytogenetic location: 10q24.31.
Variant type: single nucleotide variant.
Coding change: c.2381G>A on transcript NM_001195263.2 (MANE Select); coding-DNA position 2381, G replaced by A.
Protein change: p.Arg794Lys; replaces arginine 794 with lysine.
Molecular consequence: missense variant.
Genome position (GRCh38, 1-based): chr10:101,010,508, C>T on the plus strand (G>A on the coding strand, the complement: PDZD7 is on the minus strand). VCF-style: chr10-101010508-C-T. GRCh37 (hg19) VCF-style: chr10-102770265-C-T.
Other names: c.2381G>A (NM_001195263.1); short protein forms R794K.
Identifiers: ClinVar variation 1058684 (VCV001058684.7), dbSNP rs961558622, ClinGen allele CA212978591.

ClinVar aggregate classification (germline): Uncertain significance. Review status: criteria provided, multiple submitters, no conflicts (2 of 4 stars). 2 submissions from 2 submitters: Uncertain significance (2). Last evaluated 2024-11-11.

Allele frequency attached by ClinVar (database versions not stated): gnomAD exomes 0.00002 and 0.00003; TOPMed 0.00003; gnomAD 0.00005.
gnomAD v4.1: 49 of 1,533,868 alleles (0.0032%); highest among the groups gnomAD compares: Middle Eastern, 0.033%; no homozygotes.

Submissions (2):

Labcorp Genetics (formerly Invitae), Labcorp
Classification: Uncertain significance. Last evaluated: 2024-11-11. Review status: criteria provided, single submitter. Criteria: Invitae Variant Classification Sherloc (09022015). Collection method: clinical testing. Allele origin: germline.
Comment: This sequence change replaces arginine, which is basic and polar, with lysine, which is basic and polar, at codon 794 of the PDZD7 protein (p.Arg794Lys). This variant is present in population databases (no rsID available, gnomAD 0.004%). This variant has not been reported in the literature in individuals affected with PDZD7-related conditions. ClinVar contains an entry for this variant (Variation ID: 1058684). Invitae Evidence Modeling of protein sequence and biophysical properties (such as structural, functional, and spatial information, amino acid conservation, physicochemical variation, residue mobility, and thermodynamic stability) indicates that this missense variant is not expected to disrupt PDZD7 protein function with a negative predictive value of 80%. Algorithms developed to predict the effect of sequence changes on RNA splicing suggest that this variant may create or strengthen a splice site. In summary, the available evidence is currently insufficient to determine the role of this variant in disease. Therefore, it has been classified as a Variant of Uncertain Significance.

GeneDx
Classification: Uncertain significance. Last evaluated: 2024-06-06. Review status: criteria provided, single submitter. Criteria: GeneDx Variant Classification Process June 2021. Collection method: clinical testing. Allele origin: germline. Affected: yes.
Comment: Not observed at significant frequency in large population cohorts (gnomAD); In silico analysis supports that this missense variant has a deleterious effect on protein structure/function; Has not been previously published as pathogenic or benign to our knowledge; In silico analysis suggests this variant may impact gene splicing. In the absence of RNA/functional studies, the actual effect of this sequence change is unknown.